The following is an entry in ClinVar:

NM_006445.4(PRPF8):c.5594G>A (p.Arg1865Lys)

Gene: PRPF8 (pre-mRNA processing factor 8; minus strand). Cytogenetic location: 17p13.3.
Variant type: single nucleotide variant.
Coding change: c.5594G>A on transcript NM_006445.4 (MANE Select); coding-DNA position 5594, G replaced by A.
Protein change: p.Arg1865Lys; replaces arginine 1865 with lysine.
Molecular consequence: missense variant.
Genome position (GRCh38, 1-based): chr17:1,656,673, C>T on the plus strand (G>A on the coding strand, the complement: PRPF8 is on the minus strand). VCF-style: chr17-1656673-C-T. GRCh37 (hg19) VCF-style: chr17-1559967-C-T.
Other names: short protein forms R1865K.
Identifiers: ClinVar variation 1446084 (VCV001446084.6), dbSNP rs1911407117, ClinGen allele CA397570681.

ClinVar aggregate classification (germline): Uncertain significance (1 of 4 stars; one submission).

Submission:

Labcorp Genetics (formerly Invitae), Labcorp
Classification: Uncertain significance. Last evaluated: 2022-06-27. Review status: criteria provided, single submitter. Criteria: Invitae Variant Classification Sherloc (09022015). Collection method: clinical testing. Allele origin: germline.
Comment: This variant has not been reported in the literature in individuals affected with PRPF8-related conditions. This variant is not present in population databases (gnomAD no frequency). This sequence change replaces arginine, which is basic and polar, with lysine, which is basic and polar, at codon 1865 of the PRPF8 protein (p.Arg1865Lys). Algorithms developed to predict the effect of missense changes on protein structure and function are either unavailable or do not agree on the potential impact of this missense change (SIFT: "Deleterious"; PolyPhen-2: "Probably Damaging"; Align-GVGD: "Class C0"). In summary, the available evidence is currently insufficient to determine the role of this variant in disease. Therefore, it has been classified as a Variant of Uncertain Significance.